The following is an entry in ClinVar:

NM_021619.3(PRDM12):c.1041CGC[11] (p.Ala359del)

Gene: PRDM12 (PR/SET domain 12; plus strand). Cytogenetic location: 9q34.12.
Variant type: Microsatellite.
Coding change: c.1041CGC[11] on transcript NM_021619.3 (MANE Select); 11 copies in a row of the 3-base unit CGC starting at c.1041; the reference has 12 copies in a row; one copy, 3 bases deleted.
Protein change: p.Ala359del; deletes alanine 359.
Molecular consequence: inframe deletion.
Genome position (GRCh38, 1-based): chr9:130,681,639-130,681,641, CGC deleted; deleting any 3 consecutive bases within chr9:130,681,606-130,681,641 gives the same sequence; the position shown is the placement nearest the transcript's 3' end. VCF-style (leftmost placement, unchanged base first): chr9-130681605-TCGC-T. GRCh37 (hg19) VCF-style: chr9-133556992-TCGC-T.
Other names: c.1074_1076delCGC (NM_021619.2); short protein forms A359del.
Identifiers: ClinVar variation 648392 (VCV000648392.13), dbSNP rs752427775, ClinGen allele CA590945312.

ClinVar aggregate classification (germline): Conflicting classifications of pathogenicity. Review status: criteria provided, conflicting classifications (1 of 4 stars). 4 submissions from 4 submitters: Uncertain significance (1); Benign (1); Likely benign (2). Last evaluated 2025-02-16.

Conditions:
Inborn genetic diseases. Identifiers: MedGen C0950123, MeSH D030342.
Congenital insensitivity to pain-hypohidrosis syndrome. Also called: HSAN VIII; Neuropathy, hereditary sensory and autonomic, type VIII. Identifiers: Orphanet 478664, MedGen C4225308, MONDO:0014662, OMIM 616488.

Submissions (4):

Laboratory of Genetics, Children's Clinical University Hospital Latvia
Classification: Likely benign. Last evaluated: 2025-02-16. Review status: criteria provided, single submitter. Criteria: ACMG Guidelines, 2015. Collection method: clinical testing. Allele origin: germline. Affected: yes.

Ambry Genetics
Classification: Likely benign for Inborn genetic diseases. Last evaluated: 2023-03-10. Review status: criteria provided, single submitter. Criteria: Ambry Variant Classification Scheme 2023. Collection method: clinical testing. Allele origin: germline.

Labcorp Genetics (formerly Invitae), Labcorp
Classification: Uncertain significance for Congenital insensitivity to pain-hypohidrosis syndrome. Last evaluated: 2018-10-23. Review status: criteria provided, single submitter. Criteria: Invitae Variant Classification Sherloc (09022015). Collection method: clinical testing. Allele origin: germline.
Comment: In summary, the available evidence is currently insufficient to determine the role of this variant in disease. Therefore, it has been classified as a Variant of Uncertain Significance. Experimental studies and prediction algorithms are not available for this variant, and the functional significance of the affected amino acid is currently unknown. This variant has not been reported in the literature in individuals with PRDM12-related disease. The frequency data for this variant in the population databases is considered unreliable, as metrics indicate insufficient coverage at this position in the ExAC database. This variant, c.1074_1076delCGC, results in the deletion of 1 amino acid(s) of the PRDM12 protein (p.Ala359del), but otherwise preserves the integrity of the reading frame.

GeneDx
Classification: Benign. Last evaluated: 2018-08-23. Review status: criteria provided, single submitter. Criteria: GeneDx Variant Classification Process June 2021. Collection method: clinical testing. Allele origin: germline. Affected: yes.